The following is an entry in ClinVar:

NM_000098.3(CPT2):c.1073T>G (p.Leu358Arg)

Gene: CPT2 (carnitine palmitoyltransferase 2; plus strand). Cytogenetic location: 1p32.3.
Variant type: single nucleotide variant.
Coding change: c.1073T>G on transcript NM_000098.3 (MANE Select); coding-DNA position 1073, T replaced by G.
Protein change: p.Leu358Arg; replaces leucine 358 with arginine.
Molecular consequence: missense variant.
Genome position (GRCh38, 1-based): chr1:53,210,747, T>G. VCF-style: chr1-53210747-T-G. GRCh37 (hg19) VCF-style: chr1-53676419-T-G.
Other names: c.1073T>G, p.Leu358Arg (NM_001330589.2); short protein forms L358R.
Identifiers: ClinVar variation 3902115 (VCV003902115.1).

ClinVar aggregate classification (germline): Uncertain significance (1 of 4 stars; one submission).

Submission:

Women's Health and Genetics/Laboratory Corporation of America, LabCorp
Classification: Uncertain significance. Last evaluated: 2025-05-20. Review status: criteria provided, single submitter. Criteria: LabCorp Variant Classification Summary - May 2015. Collection method: clinical testing. Allele origin: germline.
Comment: Variant summary: CPT2 c.1073T>G (p.Leu358Arg) results in a non-conservative amino acid change in the encoded protein sequence. Algorithms developed to predict the effect of missense changes on protein structure and function all suggest that this variant is likely to be disruptive. The variant was absent in 251368 control chromosomes. c.1073T>G has been observed in individual(s) affected with Carnitine Palmitoyltransferase II Deficiency (example: Habib_2021). These data indicate that the variant may be associated with disease. To our knowledge, no experimental evidence demonstrating an impact on protein function has been reported. No submitters have cited clinical-significance assessments for this variant to ClinVar.The following publication has been ascertained in the context of this evaluation (PMID: 34626609). Based on the evidence outlined above, the variant was classified as VUS-possibly pathogenic.

Literature cited by the submitters: PubMed 34626609.